The following is an entry in ClinVar:

ClinVar aggregate classification (germline): Uncertain significance (1 of 4 stars; one submission).

Submission:

Labcorp Genetics (formerly Invitae), Labcorp
Classification: Uncertain significance. Last evaluated: 2023-04-24. Review status: criteria provided, single submitter. Criteria: Invitae Variant Classification Sherloc (09022015). Collection method: clinical testing. Allele origin: germline.
Comment: This sequence change replaces serine, which is neutral and polar, with threonine, which is neutral and polar, at codon 2698 of the EYS protein (p.Ser2698Thr). This variant is not present in population databases (gnomAD no frequency). This variant has not been reported in the literature in individuals affected with EYS-related conditions. ClinVar contains an entry for this variant (Variation ID: 1354031). Advanced modeling of protein sequence and biophysical properties (such as structural, functional, and spatial information, amino acid conservation, physicochemical variation, residue mobility, and thermodynamic stability) has been performed at Invitae for this missense variant, however the output from this modeling did not meet the statistical confidence thresholds required to predict the impact of this variant on EYS protein function. In summary, the available evidence is currently insufficient to determine the role of this variant in disease. Therefore, it has been classified as a Variant of Uncertain Significance.

NM_001142800.2(EYS):c.8092T>A (p.Ser2698Thr)

Gene: EYS (EGF-like photoreceptor maintenance factor; minus strand). Cytogenetic location: 6q12.
Variant type: single nucleotide variant.
Coding change: c.8092T>A on transcript NM_001142800.2 (MANE Select); coding-DNA position 8092, T replaced by A.
Protein change: p.Ser2698Thr; replaces serine 2698 with threonine.
Molecular consequence: missense variant.
Genome position (GRCh38, 1-based): chr6:63,726,660, A>T on the plus strand (T>A on the coding strand, the complement: EYS is on the minus strand). VCF-style: chr6-63726660-A-T. GRCh37 (hg19) VCF-style: chr6-64436553-A-T.
Other names: c.8155T>A, p.Ser2719Thr (NM_001292009.2); short protein forms S2719T, S2698T.
Identifiers: ClinVar variation 1354031 (VCV001354031.8), dbSNP rs2149631916, ClinGen allele CA364386410.
Genomic context (GRCh38, chr6:63,726,660, plus strand): 5'-TCTTTTTTCGAACATGAAAGGAAGCAAAAGACATCCAGGATAACTCATTGCTTCTGAAAG[A>T]TGGATCACTTATGGATAAAGCTGAGGGAAGGAGAGAAAGAGAACTCTGGGAGTTATCTGC-3'
Protein context (NP_001136272.1, residues 2688-2708): CEQALSISDP[Ser2698Thr]FRSNELSWMS